The following is an entry in ClinVar:

ClinVar aggregate classification (germline): Likely pathogenic (1 of 4 stars; one submission).

Submission:

CeGaT Center for Human Genetics Tuebingen
Classification: Likely pathogenic. Last evaluated: 2025-01-01. Review status: criteria provided, single submitter. Criteria: CeGaT Center For Human Genetics Tuebingen Variant Classification Criteria Version 2. Collection method: clinical testing. Allele origin: germline. Affected: yes. Observed: 1 variant allele.
Comment: TBR1: PVS1:Strong, PM2

NM_006593.4(TBR1):c.1565del (p.Lys522fs)

Genes: TBR1 (T-box brain transcription factor 1; plus strand), LOC129935026 (ATAC-STARR-seq lymphoblastoid silent region 12060; plus strand). Cytogenetic location: 2q24.2.
Variant type: Deletion.
Coding change: c.1565del on transcript NM_006593.4 (MANE Select); coding-DNA position 1565, one base deleted (A; older notation c.1565delA).
Protein change: p.Lys522fs; shifts the reading frame from lysine 522.
Molecular consequence: frameshift variant.
Genome position (GRCh38, 1-based): chr2:161,423,743, A deleted; the last of 2 consecutive A bases (chr2:161,423,742-161,423,743); deleting either gives the same sequence. VCF-style (leftmost placement, unchanged base first): chr2-161423741-GA-G. GRCh37 (hg19) VCF-style: chr2-162280252-GA-G.
Other names: short protein forms K522fs.
Identifiers: ClinVar variation 3772359 (VCV003772359.13).